The following is an entry in ClinVar:

NM_016222.4(DDX41):c.373+5G>A

Gene: DDX41 (DEAD-box helicase 41; minus strand). Cytogenetic location: 5q35.3.
Variant type: single nucleotide variant.
Coding change: c.373+5G>A on transcript NM_016222.4 (MANE Select); 5 bases into the intron after coding-DNA position 373, G replaced by A.
Molecular consequence: intron variant.
Genome position (GRCh38, 1-based): chr5:177,516,114, C>T on the plus strand (G>A on the coding strand, the complement: DDX41 is on the minus strand). VCF-style: chr5-177516114-C-T. GRCh37 (hg19) VCF-style: chr5-176943115-C-T.
Other names: c.-6+5G>A (NM_001321830.2, NM_001321732.2).
Identifiers: ClinVar variation 4617154 (VCV004617154.1).
Genomic context (GRCh38, chr5:177,516,114, plus strand): 5'-AACATGCCTGGGGCTGGGAGGAGAAGACTCAGTCCACCTTCTCACTATCCTGGCTACAAC[C>T]ATACCTCGGCCCTCGGCAACACTCTCCAGGATCTTCTCTTCTTCCTTCAGCTGCTTCTCC-3'

ClinVar aggregate classification (germline): Uncertain significance (1 of 4 stars; one submission).

Conditions:
Inborn genetic diseases. Identifiers: MedGen C0950123, MeSH D030342.

gnomAD v4.1: 2 of 1,613,948 alleles (0.00012%); highest among the groups gnomAD compares: African/African-American, 0.0027%; no homozygotes.

Submission:

Ambry Genetics
Classification: Uncertain significance for Inborn genetic diseases. Last evaluated: 2025-10-29. Review status: criteria provided, single submitter. Criteria: Ambry Variant Classification Scheme 2023. Collection method: clinical testing. Allele origin: germline.
Comment: The c.373+5G>A intronic variant results from a G to A substitution 5 nucleotides after coding exon 4 in the DDX41 gene. This nucleotide position is well conserved in available vertebrate species. In silico splice site analysis predicts that this alteration will not have any significant effect on splicing. Based on the available evidence, the clinical significance of this variant remains unclear.